The following is an entry in ClinVar:

NM_005619.5(RTN2):c.1484A>G (p.Tyr495Cys)

Genes: OPA3-RTN2 (OPA3-RTN2 readthrough; minus strand), RTN2 (reticulon 2; minus strand). Cytogenetic location: 19q13.32.
Variant type: single nucleotide variant.
Coding change: c.1484A>G on transcript NM_005619.5 (MANE Select); coding-DNA position 1484, A replaced by G.
Protein change: p.Tyr495Cys; replaces tyrosine 495 with cysteine.
Molecular consequence: missense variant.
Genome position (GRCh38, 1-based): chr19:45,488,484, T>C on the plus strand (A>G on the coding strand, the complement: RTN2 is on the minus strand). VCF-style: chr19-45488484-T-C. GRCh37 (hg19) VCF-style: chr19-45991742-T-C.
Other names: c.1265A>G, p.Tyr422Cys (NM_206900.3); c.464A>G, p.Tyr155Cys (NM_206901.3); c.1484A>G (NM_005619.3); short protein forms Y155C, Y422C, Y495C.
Identifiers: ClinVar variation 1343963 (VCV001343963.5), dbSNP rs1037969877, ClinGen allele CA308949572.

ClinVar aggregate classification (germline): Uncertain significance. Review status: criteria provided, multiple submitters, no conflicts (2 of 4 stars). 3 submissions from 3 submitters: Uncertain significance (3). Last evaluated 2025-02-19.

Conditions:
Spastic paraplegia. Identifiers: MedGen C0037772, HP:0001258.
Inborn genetic diseases. Identifiers: MedGen C0950123, MeSH D030342.
Hereditary spastic paraplegia. Also called: Familial spastic paraparesis. Identifiers: Orphanet 685, MedGen C0037773, MONDO:0019064. Disease mechanism: loss of function.

Allele frequency attached by ClinVar (database versions not stated): gnomAD exomes below 0.00001; TOPMed below 0.00001.
gnomAD v4.1: 5 of 1,613,850 alleles (0.00031%); highest among the groups gnomAD compares: South Asian, 0.0033%; no homozygotes.

Submissions (3):

Ambry Genetics
Classification: Uncertain significance for Inborn genetic diseases. Last evaluated: 2025-02-19. Review status: criteria provided, single submitter. Criteria: Ambry Variant Classification Scheme 2023. Collection method: clinical testing. Allele origin: germline.

Labcorp Genetics (formerly Invitae), Labcorp
Classification: Uncertain significance for Spastic paraplegia. Last evaluated: 2025-02-13. Review status: criteria provided, single submitter. Criteria: Invitae Variant Classification Sherloc (09022015). Collection method: clinical testing. Allele origin: germline.
Comment: This sequence change replaces tyrosine, which is neutral and polar, with cysteine, which is neutral and slightly polar, at codon 495 of the RTN2 protein (p.Tyr495Cys). This variant is present in population databases (no rsID available, gnomAD 0.003%). This variant has not been reported in the literature in individuals affected with RTN2-related conditions. ClinVar contains an entry for this variant (Variation ID: 1343963). An algorithm developed to predict the effect of missense changes on protein structure and function (PolyPhen-2) suggests that this variant is likely to be disruptive. In summary, the available evidence is currently insufficient to determine the role of this variant in disease. Therefore, it has been classified as a Variant of Uncertain Significance.

Genome Diagnostics Laboratory, The Hospital for Sick Children
Classification: Uncertain significance for Hereditary spastic paraplegia. Last evaluated: 2021-04-01. Review status: criteria provided, single submitter. Criteria: ACMG Guidelines, 2015. Collection method: clinical testing. Allele origin: germline. Affected: yes.